The following is an entry in ClinVar:

NM_206933.4(USH2A):c.4328C>A (p.Thr1443Asn)

Gene: USH2A (usherin; minus strand). Cytogenetic location: 1q41.
Variant type: single nucleotide variant.
Coding change: c.4328C>A on transcript NM_206933.4 (MANE Select); coding-DNA position 4328, C replaced by A.
Protein change: p.Thr1443Asn; replaces threonine 1443 with asparagine.
Molecular consequence: missense variant.
Genome position (GRCh38, 1-based): chr1:216,190,291, G>T on the plus strand (C>A on the coding strand, the complement: USH2A is on the minus strand). VCF-style: chr1-216190291-G-T. GRCh37 (hg19) VCF-style: chr1-216363633-G-T.
Other names: c.4328C>A, p.Thr1443Asn (NM_007123.6); short protein forms T1443N.
Identifiers: ClinVar variation 2071560 (VCV002071560.4), dbSNP rs772742405, ClinGen allele CA344865310.

ClinVar aggregate classification (germline): Uncertain significance (1 of 4 stars; one submission).

Submission:

Labcorp Genetics (formerly Invitae), Labcorp
Classification: Uncertain significance. Last evaluated: 2022-01-03. Review status: criteria provided, single submitter. Criteria: Invitae Variant Classification Sherloc (09022015). Collection method: clinical testing. Allele origin: germline.
Comment: In summary, the available evidence is currently insufficient to determine the role of this variant in disease. Therefore, it has been classified as a Variant of Uncertain Significance. Algorithms developed to predict the effect of missense changes on protein structure and function are either unavailable or do not agree on the potential impact of this missense change (SIFT: "Deleterious"; PolyPhen-2: "Probably Damaging"; Align-GVGD: "Class C0"). This variant has not been reported in the literature in individuals affected with USH2A-related conditions. This variant is not present in population databases (gnomAD no frequency). This sequence change replaces threonine, which is neutral and polar, with asparagine, which is neutral and polar, at codon 1443 of the USH2A protein (p.Thr1443Asn).